The following is an entry in ClinVar:

NM_000051.4(ATM):c.3934A>G (p.Arg1312Gly)

Gene: ATM (ATM serine/threonine kinase; plus strand). Cytogenetic location: 11q22.3.
Variant type: single nucleotide variant.
Coding change: c.3934A>G on transcript NM_000051.4 (MANE Select); coding-DNA position 3934, A replaced by G.
Protein change: p.Arg1312Gly; replaces arginine 1312 with glycine.
Molecular consequence: missense variant.
Genome position (GRCh38, 1-based): chr11:108,284,414, A>G. VCF-style: chr11-108284414-A-G. GRCh37 (hg19) VCF-style: chr11-108155141-A-G.
Other names: c.3934A>G, p.Arg1312Gly (NM_001351834.2); short protein forms R1312G.
Identifiers: ClinVar variation 219517 (VCV000219517.14), dbSNP rs864622137, ClinGen allele CA349709.

ClinVar aggregate classification (germline): Uncertain significance. Review status: criteria provided, multiple submitters, no conflicts (2 of 4 stars). 4 submissions from 4 submitters: Uncertain significance (4). Last evaluated 2025-07-27.

Conditions:
Hereditary cancer-predisposing syndrome. Also called: Tumor predisposition; Hereditary Cancer Syndrome; Neoplastic Syndromes, Hereditary; Hereditary neoplastic syndrome. Identifiers: Orphanet 140162, MedGen C0027672, MeSH D009386, MONDO:0015356.
Ataxia-telangiectasia syndrome (AT). Also called: Cerebello-oculocutaneous telangiectasia; Immunodeficiency with ataxia telangiectasia; Ataxia telangiectasia (A-T); LOUIS-BAR SYNDROME; ATAXIA-TELANGIECTASIA, COMPLEMENTATION GROUP A; ATAXIA-TELANGIECTASIA, FRESNO VARIANT. Identifiers: Orphanet 100, MedGen C0004135, MONDO:0008840, OMIM 208900.

Allele frequency attached by ClinVar (database versions not stated): gnomAD exomes below 0.00001.
gnomAD v4.1: 1 of 1,614,020 alleles (0.000062%); highest among the groups gnomAD compares: Non-Finnish European, 0.000085%; no homozygotes.

Submissions (4):

Labcorp Genetics (formerly Invitae), Labcorp
Classification: Uncertain significance for Ataxia-telangiectasia syndrome. Last evaluated: 2025-07-27. Review status: criteria provided, single submitter. Criteria: Invitae Variant Classification Sherloc (09022015). Collection method: clinical testing. Allele origin: germline.
Comment: This sequence change replaces arginine, which is basic and polar, with glycine, which is neutral and non-polar, at codon 1312 of the ATM protein (p.Arg1312Gly). This variant is not present in population databases (gnomAD no frequency). This missense change has been observed in individual(s) with melanoma or breast cancer (PMID: 32325837, 34262154, 35264596). ClinVar contains an entry for this variant (Variation ID: 219517). Invitae Evidence Modeling of protein sequence and biophysical properties (such as structural, functional, and spatial information, amino acid conservation, physicochemical variation, residue mobility, and thermodynamic stability) indicates that this missense variant is not expected to disrupt ATM protein function with a negative predictive value of 95%. In summary, the available evidence is currently insufficient to determine the role of this variant in disease. Therefore, it has been classified as a Variant of Uncertain Significance.

Color Diagnostics, LLC DBA Color Health
Classification: Uncertain significance for Hereditary cancer-predisposing syndrome. Last evaluated: 2025-05-21. Review status: criteria provided, single submitter. Criteria: ACMG Guidelines, 2015. Collection method: clinical testing. Allele origin: germline.
Comment: This missense variant replaces arginine with glycine at codon 1312 of the ATM protein. Computational prediction suggests that this variant may not impact protein structure and function. To our knowledge, functional studies have not been reported for this variant. This variant has been reported in individuals affected with breast cancer (PMID: 35585550) and melanoma (PMID: 32325837, 34262154). This variant has not been identified in the general population by the Genome Aggregation Database (gnomAD). The available evidence is insufficient to determine the role of this variant in disease conclusively. Therefore, this variant is classified as a Variant of Uncertain Significance.

Ambry Genetics
Classification: Uncertain significance for Hereditary cancer-predisposing syndrome. Last evaluated: 2021-03-25. Review status: criteria provided, single submitter. Criteria: Ambry Variant Classification Scheme 2023. Collection method: clinical testing. Allele origin: germline.
Comment: The p.R1312G variant (also known as c.3934A>G), located in coding exon 25 of the ATM gene, results from an A to G substitution at nucleotide position 3934. The arginine at codon 1312 is replaced by glycine, an amino acid with dissimilar properties. This variant was identified in 1/167 Italian individuals with cutaneous melanoma who were CDKN2A/ARF- and CDK4-negative (Pastorino L et al. Cancers (Basel), 2020 04;12:). This amino acid position is highly conserved in available vertebrate species. In addition, the in silico prediction for this alteration is inconclusive. Since supporting evidence is limited at this time, the clinical significance of this alteration remains unclear.

Mendelics
Classification: Uncertain significance for Ataxia-telangiectasia syndrome. Last evaluated: 2018-07-02. Review status: criteria provided, single submitter. Criteria: Mendelics Assertion Criteria 2017. Collection method: clinical testing. Allele origin: unknown.

Literature cited by the submitters: PubMed 32325837 (cited by 3 submitters); PubMed 34262154 (cited by Labcorp Genetics (formerly Invitae), Labcorp and Color Diagnostics, LLC DBA Color Health); PubMed 35264596 (cited by Labcorp Genetics (formerly Invitae), Labcorp); PubMed 35585550 (cited by Color Diagnostics, LLC DBA Color Health); PubMed 33471991 (cited by Ambry Genetics).